The following is an entry in ClinVar:

ClinVar aggregate classification (germline): Uncertain significance (1 of 4 stars; one submission).

Submission:

GeneDx
Classification: Uncertain significance. Last evaluated: 2022-04-18. Review status: criteria provided, single submitter. Criteria: GeneDx Variant Classification Process June 2021. Collection method: clinical testing. Allele origin: germline. Affected: yes.
Comment: Not observed at significant frequency in large population cohorts (gnomAD); In silico analysis supports that this missense variant has a deleterious effect on protein structure/function; Has not been previously published as pathogenic or benign to our knowledge

NM_001272071.2(AP1S2):c.259G>A (p.Val87Met)

Gene: AP1S2 (adaptor related protein complex 1 subunit sigma 2; minus strand). Cytogenetic location: Xp22.2.
Variant type: single nucleotide variant.
Coding change: c.259G>A on transcript NM_001272071.2 (MANE Select); coding-DNA position 259, G replaced by A.
Protein change: p.Val87Met; replaces valine 87 with methionine.
Molecular consequence: missense variant. On other transcripts: non-coding transcript variant (2).
Genome position (GRCh38, 1-based): chrX:15,845,932, C>T on the plus strand (G>A on the coding strand, the complement: AP1S2 is on the minus strand). VCF-style: chrX-15845932-C-T. GRCh37 (hg19) VCF-style: chrX-15864055-C-T.
Other names: c.259G>A, p.Val87Met (NM_001368994.1, NM_001369007.1, NM_001369008.1 and 1 more transcripts); short protein forms V87M.
Identifiers: ClinVar variation 1711968 (VCV001711968.2), dbSNP rs2519915841, ClinGen allele CA412458983.